The following is an entry in ClinVar:

ClinVar aggregate classification (germline): Benign. Review status: reviewed by expert panel (3 of 4 stars). 18 submissions from 17 submitters: Benign (1). 17 of the submissions do not count toward it. Last evaluated 2023-08-10.

Conditions:
CDH1-related diffuse gastric and lobular breast cancer syndrome. Also called: CDH1-related diffuse gastric and lobular breast cancer. Identifiers: MedGen CN311521, MONDO:0100488.
Hereditary cancer-predisposing syndrome. Also called: Neoplastic Syndromes, Hereditary; Hereditary neoplastic syndrome; Hereditary Cancer Syndrome; Tumor predisposition. Identifiers: Orphanet 140162, MedGen C0027672, MeSH D009386, MONDO:0015356.
Hereditary diffuse gastric adenocarcinoma (HDGC). Also called: DIFFUSE GASTRIC AND LOBULAR BREAST CANCER SYNDROME. Identifiers: Orphanet 26106, MedGen C1708349, MONDO:0007648, OMIM 137215.
Prostate cancer. Also called: Malignant tumor of prostate. Identifiers: Orphanet 1331, MedGen C0376358, MONDO:0008315, HP:0012125.

Allele frequency attached by ClinVar (database versions not stated): 1000 Genomes Project 30x 0.05575; ExAC 0.10477; gnomAD 0.09635 and 0.09486; ESP Exome Variant Server 0.09641; gnomAD exomes 0.12189 and 0.10340; TOPMed 0.08694; 1000 Genomes Project 0.05791.
gnomAD v4.1: 188,342 of 1,582,056 alleles (12%); highest among the groups gnomAD compares: Non-Finnish European, 13%; 12,547 homozygotes.

Submissions (18):

Clingen Gastric Cancer Variant Curation Expert Panel
Classification: Benign for CDH1-related diffuse gastric and lobular breast cancer syndrome. Last evaluated: 2023-08-10. Review status: reviewed by expert panel. Criteria: ClinGen CDH1 ACMG Specifications V3.1. Collection method: curation. Allele origin: germline. Inheritance: Autosomal dominant inheritance.
Comment: The NM_004360.5(CDH1):c.1937-13T>C variant has an allele frequency of 0.16607 (16.6%, 4107/24730 alleles, 330 homozygotes) in the European (Finnish) subpopulation of the gnomAD v2.1.1 cohort (BA1; BP2). Therefore, this variant meets criteria to be classified as benign. ACMG/AMP criteria applied, as specified by the CDH1 Variant Curation Expert Panel (Variant Interpretation Guidelines Version 3.1): BA1, BP2.

Labcorp Genetics (formerly Invitae), Labcorp
Classification: Benign for Hereditary diffuse gastric adenocarcinoma. Last evaluated: 2026-02-04. Review status: criteria provided, single submitter. Criteria: Invitae Variant Classification Sherloc (09022015). Collection method: clinical testing. Allele origin: germline. Not counted in ClinVar's aggregate classification.

GeneKor MSA
Classification: Benign for Hereditary cancer-predisposing syndrome. Last evaluated: 2025-07-10. Review status: criteria provided, single submitter. Criteria: ACMG Guidelines, 2015. Collection method: clinical testing. Allele origin: germline. Not counted in ClinVar's aggregate classification.

KCCC/NGS Laboratory, Kuwait Cancer Control Center
Classification: Benign for Hereditary diffuse gastric adenocarcinoma. Last evaluated: 2025-02-01. Review status: criteria provided, single submitter. Criteria: ACMG Guidelines, 2015. Collection method: clinical testing. Allele origin: germline. Affected: no. Not counted in ClinVar's aggregate classification.

Blueprint Genetics
Classification: Benign. Last evaluated: 2024-11-27. Review status: criteria provided, single submitter. Criteria: ACMG Guidelines, 2015. Collection method: clinical testing. Allele origin: germline. Not counted in ClinVar's aggregate classification.

Myriad Genetics, Inc.
Classification: Benign for Hereditary diffuse gastric adenocarcinoma. Last evaluated: 2024-09-20. Review status: criteria provided, single submitter. Criteria: Myriad Autosomal Dominant, Autosomal Recessive and X-Linked Classification Criteria (2023). Collection method: clinical testing. Allele origin: unknown. Not counted in ClinVar's aggregate classification.
Comment: This variant is considered benign. This variant is intronic and is not expected to impact mRNA splicing. This variant has been observed at a population frequency that is significantly greater than expected given the associated disease prevalence and penetrance.

KCCC/NGS Laboratory, Kuwait Cancer Control Center
Classification: Benign for Familial prostate cancer. Last evaluated: 2023-07-07. Review status: criteria provided, single submitter. Criteria: ACMG Guidelines, 2015. Collection method: clinical testing. Allele origin: germline. Affected: yes. Not counted in ClinVar's aggregate classification.

Illumina Laboratory Services, Illumina
Classification: Benign for Hereditary diffuse gastric adenocarcinoma. Last evaluated: 2018-01-12. Review status: criteria provided, single submitter. Criteria: ICSL Variant Classification Criteria 13 December 2019. Collection method: clinical testing. Allele origin: germline. Not counted in ClinVar's aggregate classification.
Comment: This variant was observed in the ICSL laboratory as part of a predisposition screen in an ostensibly healthy population. It had not been previously curated by ICSL or reported in the Human Gene Mutation Database (HGMD: prior to June 1st, 2018), and was therefore a candidate for classification through an automated scoring system. Utilizing variant allele frequency, disease prevalence and penetrance estimates, and inheritance mode, an automated score was calculated to assess if this variant is too frequent to cause the disease. Based on the score and internal cut-off values, a variant classified as benign is not then subjected to further curation. The score for this variant resulted in a classification of benign for this disease.

GeneDx
Classification: Benign. Last evaluated: 2015-03-03. Review status: criteria provided, single submitter. Criteria: GeneDx Variant Classification Process June 2021. Collection method: clinical testing. Allele origin: germline. Affected: yes. Not counted in ClinVar's aggregate classification.
Comment: This variant is associated with the following publications: (PMID: 24204729)

Color Diagnostics, LLC DBA Color Health
Classification: Benign for Hereditary cancer-predisposing syndrome. Last evaluated: 2014-12-19. Review status: criteria provided, single submitter. Criteria: ACMG Guidelines, 2015. Collection method: clinical testing. Allele origin: germline. Not counted in ClinVar's aggregate classification.

Ambry Genetics
Classification: Benign for Hereditary cancer-predisposing syndrome. Last evaluated: 2014-11-18. Review status: criteria provided, single submitter. Criteria: Ambry Variant Classification Scheme 2023. Collection method: clinical testing. Allele origin: germline. Not counted in ClinVar's aggregate classification.

Breakthrough Genomics
Classification: Benign. Review status: criteria provided, single submitter. Criteria: ACMG Guidelines, 2015. Collection method: not provided. Allele origin: germline. Inheritance: Autosomal dominant inheritance. Affected: yes. Not counted in ClinVar's aggregate classification.

PreventionGenetics, part of Exact Sciences
Classification: Benign. Review status: criteria provided, single submitter. Criteria: ACMG Guidelines, 2015. Collection method: clinical testing. Allele origin: germline. Not counted in ClinVar's aggregate classification.

Clinical Genetics Laboratory, Department of Pathology, Netherlands Cancer Institute
Classification: Benign. Review status: no assertion criteria provided. Collection method: clinical testing. Allele origin: germline. Affected: yes. Study: VKGL Data-share Consensus. Not counted in ClinVar's aggregate classification.

Clinical Genetics, Academic Medical Center
Classification: Benign. Review status: no assertion criteria provided. Collection method: clinical testing. Allele origin: germline. Affected: yes. Study: VKGL Data-share Consensus. Not counted in ClinVar's aggregate classification.

Department of Pathology and Laboratory Medicine, Sinai Health System
Classification: Uncertain significance. Review status: no assertion criteria provided. Collection method: clinical testing. Allele origin: unknown. Affected: yes. Study: The Canadian Open Genetics Repository (COGR). Not counted in ClinVar's aggregate classification.

Joint Genome Diagnostic Labs from Nijmegen and Maastricht, Radboudumc and MUMC+
Classification: Benign. Review status: no assertion criteria provided. Collection method: clinical testing. Allele origin: germline. Affected: yes. Study: VKGL Data-share Consensus. Not counted in ClinVar's aggregate classification.

Mayo Clinic Laboratories, Mayo Clinic
Classification: Benign. Review status: no assertion criteria provided. Collection method: clinical testing. Allele origin: unknown. Not counted in ClinVar's aggregate classification.

NM_004360.5(CDH1):c.1937-13T>C

Gene: CDH1 (cadherin 1; plus strand). Cytogenetic location: 16q22.1.
Variant type: single nucleotide variant.
Coding change: c.1937-13T>C on transcript NM_004360.5 (MANE Select); 13 bases into the intron before coding-DNA position 1937, T replaced by C.
Molecular consequence: intron variant.
Genome position (GRCh38, 1-based): chr16:68,823,386, T>C. VCF-style: chr16-68823386-T-C. GRCh37 (hg19) VCF-style: chr16-68857289-T-C.
Other names: c.389-13T>C (NM_001317185.2); c.-29-13T>C (NM_001317186.2); c.1754-13T>C (NM_001317184.2); c.1937-13T>C (LRG_301t1).
Identifiers: ClinVar variation 140806 (VCV000140806.37), dbSNP rs2276330, ClinGen allele CA163616.
Genomic context (GRCh38, chr16:68,823,386, plus strand): 5'-GCAATTTTATTCTGGAATGAGCTTTTTATTTTCCTCCCCTGGTCTCATCATTTCTTTTTA[T>C]TGCTTTCTCCAGCCCAAGAATCTATCATTTTGAAGCCAAAGATGGCCTTAGAGGTGGGTG-3'